The following is an entry in ClinVar:

NM_020987.5(ANK3):c.8225G>A (p.Gly2742Asp)

Gene: ANK3 (ankyrin 3; minus strand). Cytogenetic location: 10q21.2.
Variant type: single nucleotide variant.
Coding change: c.8225G>A on transcript NM_020987.5 (MANE Select); coding-DNA position 8225, G replaced by A.
Protein change: p.Gly2742Asp; replaces glycine 2742 with aspartic acid.
Molecular consequence: missense variant. On other transcripts: intron variant (4).
Genome position (GRCh38, 1-based): chr10:60,072,656, C>T on the plus strand (G>A on the coding strand, the complement: ANK3 is on the minus strand). VCF-style: chr10-60072656-C-T. GRCh37 (hg19) VCF-style: chr10-61832414-C-T.
Other names: c.4409-4647G>A (NM_001204404.2); c.4406-4647G>A (NM_001320874.2); c.1808-4647G>A (NM_001149.4); c.4388-4647G>A (NM_001204403.2); short protein forms G2742D.
Identifiers: ClinVar variation 2976329 (VCV002976329.3), dbSNP rs769478307, ClinGen allele CA5511589.

ClinVar aggregate classification (germline): Uncertain significance (1 of 4 stars; one submission).

gnomAD v4.1: 16 of 1,613,936 alleles (0.00099%); highest among the groups gnomAD compares: South Asian, 0.0022%; no homozygotes.

Submission:

Labcorp Genetics (formerly Invitae), Labcorp
Classification: Uncertain significance. Last evaluated: 2024-03-23. Review status: criteria provided, single submitter. Criteria: Invitae Variant Classification Sherloc (09022015). Collection method: clinical testing. Allele origin: germline.
Comment: This sequence change replaces glycine, which is neutral and non-polar, with aspartic acid, which is acidic and polar, at codon 2742 of the ANK3 protein (p.Gly2742Asp). This variant is present in population databases (rs769478307, gnomAD 0.003%). This variant has not been reported in the literature in individuals affected with ANK3-related conditions. Advanced modeling of protein sequence and biophysical properties (such as structural, functional, and spatial information, amino acid conservation, physicochemical variation, residue mobility, and thermodynamic stability) performed at Invitae indicates that this missense variant is not expected to disrupt ANK3 protein function with a negative predictive value of 80%. In summary, the available evidence is currently insufficient to determine the role of this variant in disease. Therefore, it has been classified as a Variant of Uncertain Significance.